The following is an entry in ClinVar:

NM_001082486.2(ACD):c.709C>G (p.Leu237Val)

Gene: ACD (ACD shelterin complex subunit and telomerase recruitment factor; minus strand). Cytogenetic location: 16q22.1.
Variant type: single nucleotide variant.
Coding change: c.709C>G on transcript NM_001082486.2 (MANE Select); coding-DNA position 709, C replaced by G.
Protein change: p.Leu237Val; replaces leucine 237 with valine.
Molecular consequence: missense variant.
Genome position (GRCh38, 1-based): chr16:67,658,753, G>C on the plus strand (C>G on the coding strand, the complement: ACD is on the minus strand). VCF-style: chr16-67658753-G-C. GRCh37 (hg19) VCF-style: chr16-67692656-G-C.
Other names: c.709C>G, p.Leu237Val (NM_001410884.1); c.700C>G, p.Leu234Val (NM_022914.3); short protein forms L234V, L237V.
Identifiers: ClinVar variation 3232694 (VCV003232694.1), dbSNP rs2543602280, ClinGen allele CA396353518.

ClinVar aggregate classification (germline): Uncertain significance (1 of 4 stars; one submission).

Conditions:
Inborn genetic diseases. Identifiers: MedGen C0950123, MeSH D030342.

Allele frequency attached by ClinVar (database versions not stated): gnomAD exomes below 0.00001.
gnomAD v4.1: 1 of 1,613,458 alleles (0.000062%); highest among the groups gnomAD compares: African/African-American, 0.0013%; no homozygotes.

Submission:

Ambry Genetics
Classification: Uncertain significance for Inborn genetic diseases. Last evaluated: 2024-02-01. Review status: criteria provided, single submitter. Criteria: Ambry Variant Classification Scheme 2023. Collection method: clinical testing. Allele origin: germline.
Comment: The p.L323V variant (also known as c.967C>G), located in coding exon 8 of the ACD gene, results from a C to G substitution at nucleotide position 967. The leucine at codon 323 is replaced by valine, an amino acid with highly similar properties. This amino acid position is conserved. In addition, this alteration is predicted to be tolerated by in silico analysis. Based on the available evidence, the clinical significance of this alteration remains unclear.